The following is an entry in ClinVar:

NM_005235.3(ERBB4):c.2661G>A (p.Met887Ile)

Gene: ERBB4 (erb-b2 receptor tyrosine kinase 4; minus strand). Cytogenetic location: 2q34.
Variant type: single nucleotide variant.
Coding change: c.2661G>A on transcript NM_005235.3 (MANE Select); coding-DNA position 2661, G replaced by A.
Protein change: p.Met887Ile; replaces methionine 887 with isoleucine.
Molecular consequence: missense variant.
Genome position (GRCh38, 1-based): chr2:211,428,466, C>T on the plus strand (G>A on the coding strand, the complement: ERBB4 is on the minus strand). VCF-style: chr2-211428466-C-T. GRCh37 (hg19) VCF-style: chr2-212293191-C-T.
Other names: c.2661G>A, p.Met887Ile (NM_001042599.2); short protein forms M887I.
Identifiers: ClinVar variation 1945825 (VCV001945825.5), dbSNP rs754748646, ClinGen allele CA2087663.

ClinVar aggregate classification (germline): Uncertain significance (1 of 4 stars; one submission).

Allele frequency attached by ClinVar (database versions not stated): gnomAD exomes 0.00001; TOPMed 0.00001; ExAC 0.00002.
gnomAD v4.1: 9 of 1,574,168 alleles (0.00057%); highest among the groups gnomAD compares: Non-Finnish European, 0.00079%; no homozygotes.

Submission:

Labcorp Genetics (formerly Invitae), Labcorp
Classification: Uncertain significance. Last evaluated: 2022-02-24. Review status: criteria provided, single submitter. Criteria: Invitae Variant Classification Sherloc (09022015). Collection method: clinical testing. Allele origin: germline.
Comment: In summary, the available evidence is currently insufficient to determine the role of this variant in disease. Therefore, it has been classified as a Variant of Uncertain Significance. Algorithms developed to predict the effect of missense changes on protein structure and function are either unavailable or do not agree on the potential impact of this missense change (SIFT: "Deleterious"; PolyPhen-2: "Benign"; Align-GVGD: "Class C0"). This variant has not been reported in the literature in individuals affected with ERBB4-related conditions. This variant is present in population databases (rs754748646, gnomAD 0.003%). This sequence change replaces methionine, which is neutral and non-polar, with isoleucine, which is neutral and non-polar, at codon 887 of the ERBB4 protein (p.Met887Ile).